The following is an entry in ClinVar:

ClinVar aggregate classification (germline): Uncertain significance (1 of 4 stars; one submission).

Submission:

Labcorp Genetics (formerly Invitae), Labcorp
Classification: Uncertain significance. Last evaluated: 2023-03-20. Review status: criteria provided, single submitter. Criteria: Invitae Variant Classification Sherloc (09022015). Collection method: clinical testing. Allele origin: germline.
Comment: In summary, the available evidence is currently insufficient to determine the role of this variant in disease. Therefore, it has been classified as a Variant of Uncertain Significance. This sequence change replaces threonine, which is neutral and polar, with isoleucine, which is neutral and non-polar, at codon 288 of the RFWD3 protein (p.Thr288Ile). This variant is not present in population databases (gnomAD no frequency). This variant has not been reported in the literature in individuals affected with RFWD3-related conditions. An algorithm developed to predict the effect of missense changes on protein structure and function (PolyPhen-2) suggests that this variant is likely to be disruptive.

NM_018124.4(RFWD3):c.863C>T (p.Thr288Ile)

Gene: RFWD3 (ring finger and WD repeat domain 3; minus strand). Cytogenetic location: 16q23.1.
Variant type: single nucleotide variant.
Coding change: c.863C>T on transcript NM_018124.4 (MANE Select); coding-DNA position 863, C replaced by T.
Protein change: p.Thr288Ile; replaces threonine 288 with isoleucine.
Molecular consequence: missense variant.
Genome position (GRCh38, 1-based): chr16:74,644,665, G>A on the plus strand (C>T on the coding strand, the complement: RFWD3 is on the minus strand). VCF-style: chr16-74644665-G-A. GRCh37 (hg19) VCF-style: chr16-74678563-G-A.
Other names: c.863C>T, p.Thr288Ile (NM_001370534.1, NM_001370535.1, NM_001370536.1); c.29C>T, p.Thr10Ile (NM_001370537.1, NM_001370539.1, NM_001370540.1 and 3 more transcripts); short protein forms T10I, T288I.
Identifiers: ClinVar variation 2714470 (VCV002714470.3), dbSNP rs1597437318, ClinGen allele CA396762985.